The following is an entry in ClinVar:

NM_015359.6(SLC39A14):c.458-3_458-2del

Gene: SLC39A14 (solute carrier family 39 member 14; plus strand). Cytogenetic location: 8p21.3.
Variant type: Microsatellite.
Coding change: c.458-3_458-2del on transcript NM_015359.6 (MANE Plus Clinical); 3 bases into the intron before coding-DNA position 458 through the canonical splice acceptor site of the intron before coding-DNA position 458, 2 bases deleted (CA; older notation c.458-3_458-2delCA).
Molecular consequence: splice acceptor variant. On other transcripts: intron variant (9).
Genome position (GRCh38, 1-based): chr8:22,409,943-22,409,944, CA deleted; deleting any 2 consecutive bases within chr8:22,409,941-22,409,944 gives the same sequence; the c. name uses the placement nearest the transcript's 3' end. VCF-style (leftmost placement, unchanged base first): chr8-22409940-CCA-C. GRCh37 (hg19) VCF-style: chr8-22267453-CCA-C.
Other names: c.457+1447_457+1448del (NM_001135154.3, NM_001351656.2, NM_001351655.2 and 3 more transcripts); c.487+1447_487+1448del (NM_001351657.2, NM_001351658.2, NM_001351659.2); c.458-3_458-2delCA (NM_015359.6).
Identifiers: ClinVar variation 4688873 (VCV004688873.1).
Genomic context (GRCh38, chr8:22,409,940, plus strand): 5'-CCCAGGCAGCAGGAGTGTCCCCACCCTCAGTAATAGAGGCCCTCGTCTGTTCTTGTTCCT[CCA>C]CAGTGTGGGGCTTTGGTTTTCTCAGTGTCTCACTGATTAACCTGGCCTCTCTCCTGGGAG-3'

ClinVar aggregate classification (germline): Uncertain significance (1 of 4 stars; one submission).

Submission:

Women's Health and Genetics/Laboratory Corporation of America, LabCorp
Classification: Uncertain significance. Last evaluated: 2025-12-31. Review status: criteria provided, single submitter. Criteria: LabCorp Variant Classification Summary - May 2015. Collection method: clinical testing. Allele origin: germline.
Comment: Variant summary: SLC39A14 c.458-3_458-2delCA alters a conserved nucleotide(s) located close to a canonical splice site and therefore could affect mRNA splicing, leading to a significantly altered protein sequence. Computational tools predict a significant impact on normal splicing: Three predict the variant weakens a canonical 3' acceptor site. One predicts the variant has no significant impact on splicing. However, these predictions have yet to be confirmed by functional studies. The variant allele was found at a frequency of 4e-06 in 251242 control chromosomes (gnomAD). The available data on variant occurrences in the general population are insufficient to allow any conclusion about variant significance. To our knowledge, no occurrence of c.458-3_458-2delCA in individuals affected with SLC39A14-related conditions and no experimental evidence demonstrating its impact on protein function have been reported. No submitters have cited clinical-significance assessments for this variant to ClinVar. Based on the evidence outlined above, the variant was classified as uncertain significance.